The following is an entry in ClinVar:

ClinVar aggregate classification (germline): Uncertain significance (1 of 4 stars; one submission).

Conditions:
LRRC45-related disorder. Also called: LRRC45-related condition.

Submission:

PreventionGenetics, part of Exact Sciences
Classification: Uncertain significance for LRRC45-related condition. Last evaluated: 2026-02-25. Review status: criteria provided, single submitter. Criteria: ACMG Guidelines, 2015. Collection method: clinical testing. Allele origin: germline.
Comment: The LRRC45 c.847C>T variant is predicted to result in the amino acid substitution p.Arg283Cys. This variant was reported as a de novo variant in an individual with congenital heart disease (supplementary data, Edwards et al. 2020. PubMed ID: 32368696). This variant is reported in 0.013% of alleles in individuals of African descent in gnomAD. At this time, the clinical significance of this variant is uncertain due to the absence of conclusive functional and genetic evidence.

NM_144999.4(LRRC45):c.847C>T (p.Arg283Cys)

Gene: LRRC45 (leucine rich repeat containing 45; plus strand). Cytogenetic location: 17q25.3.
Variant type: single nucleotide variant.
Coding change: c.847C>T on transcript NM_144999.4 (MANE Select); coding-DNA position 847, C replaced by T.
Protein change: p.Arg283Cys; replaces arginine 283 with cysteine.
Molecular consequence: missense variant.
Genome position (GRCh38, 1-based): chr17:82,027,687, C>T. VCF-style: chr17-82027687-C-T. GRCh37 (hg19) VCF-style: chr17-79985563-C-T.
Other names: short protein forms R283C.
Identifiers: ClinVar variation 3353670 (VCV003353670.2).